The following is an entry in ClinVar:

NM_020169.4(LXN):c.641G>A (p.Arg214His)

Genes: GFM1 (G elongation factor mitochondrial 1; plus strand), LXN (latexin; minus strand). Cytogenetic location: 3q25.32.
Variant type: single nucleotide variant.
Coding change: c.641G>A on transcript NM_020169.4 (MANE Select); coding-DNA position 641, G replaced by A.
Protein change: p.Arg214His; replaces arginine 214 with histidine.
Molecular consequence: missense variant. On other transcripts: intron variant (10).
Genome position (GRCh38, 1-based): chr3:158,666,674, C>T on the plus strand (G>A on the coding strand, the complement: LXN is on the minus strand). VCF-style: chr3-158666674-C-T. GRCh37 (hg19) VCF-style: chr3-158384463-C-T.
Other names: c.1658+288C>T (NM_001308164.2); c.1601+288C>T (NM_024996.7, NM_001308166.2); c.1376+288C>T (NM_001374357.1); c.1520+288C>T (NM_001374355.1); c.1484+288C>T (NM_001374356.1); c.1034+288C>T (NM_001374359.1, NM_001374360.1); c.917+288C>T (NM_001374361.1); c.1142+288C>T (NM_001374358.1); short protein forms R214H.
Identifiers: ClinVar variation 715641 (VCV000715641.19), dbSNP rs34058260, ClinGen allele CA2682729.

ClinVar aggregate classification (germline): Likely benign. Review status: criteria provided, multiple submitters, no conflicts (2 of 4 stars). 4 submissions from 4 submitters: Likely benign (4). Last evaluated 2025-10-01.

Allele frequency attached by ClinVar (database versions not stated): 1000 Genomes Project 0.00300; 1000 Genomes Project 30x 0.00344; gnomAD 0.00471 and 0.00485; ExAC 0.00487; ESP Exome Variant Server 0.00500; TOPMed 0.00510; gnomAD exomes 0.00511 and 0.00558.
gnomAD v4.1: 8,931 of 1,613,828 alleles (0.55%); highest among the groups gnomAD compares: Middle Eastern, 1.1%; 47 homozygotes.

Submissions (4):

CeGaT Center for Human Genetics Tuebingen
Classification: Likely benign. Last evaluated: 2025-10-01. Review status: criteria provided, single submitter. Criteria: CeGaT Center For Human Genetics Tuebingen Variant Classification Criteria Version 2. Collection method: clinical testing. Allele origin: germline. Affected: yes. Observed: 4 variant alleles.
Comment: LXN: BP4, BS2

GeneDx
Classification: Likely benign. Last evaluated: 2019-12-06. Review status: criteria provided, single submitter. Criteria: GeneDx Variant Classification Process June 2021. Collection method: clinical testing. Allele origin: germline. Affected: yes.

Labcorp Genetics (formerly Invitae), Labcorp
Classification: Likely benign. Last evaluated: 2018-01-26. Review status: criteria provided, single submitter. Criteria: Invitae Variant Classification Sherloc (09022015). Collection method: clinical testing. Allele origin: germline.

Breakthrough Genomics
Classification: Likely benign. Review status: criteria provided, single submitter. Criteria: ACMG Guidelines, 2015. Collection method: not provided. Allele origin: germline. Inheritance: Unknown mechanism. Affected: yes.